The following is an entry in ClinVar:

ClinVar aggregate classification (germline): Uncertain significance (1 of 4 stars; one submission).

Conditions:
Autosomal dominant nonsyndromic hearing loss 1. Also called: KONIGSMARK SYNDROME; DEAFNESS, AUTOSOMAL DOMINANT 1, WITH OR WITHOUT THROMBOCYTOPENIA. Identifiers: Orphanet 90635, MedGen C1852282, MONDO:0007424, OMIM 124900.
Progressive microcephaly-seizures-cortical blindness-developmental delay syndrome. Also called: Seizures, cortical blindness, and microcephaly syndrome. Identifiers: Orphanet 477814, MedGen C5567650, MONDO:0014714, OMIM 616632.

Submission:

Labcorp Genetics (formerly Invitae), Labcorp
Classification: Uncertain significance for Progressive microcephaly-seizures-cortical blindness-developmental delay syndrome; Autosomal dominant nonsyndromic hearing loss 1. Last evaluated: 2020-02-18. Review status: criteria provided, single submitter. Criteria: Invitae Variant Classification Sherloc (09022015). Collection method: clinical testing. Allele origin: germline.
Comment: This sequence change falls in intron 11 of the DIAPH1 gene. It does not directly change the encoded amino acid sequence of the DIAPH1 protein, but it affects a nucleotide within the consensus splice site of the intron. This variant is not present in population databases (ExAC no frequency). This variant has not been reported in the literature in individuals with DIAPH1-related conditions. Nucleotide substitutions within the consensus splice site are a relatively common cause of aberrant splicing (PMID: 17576681, 9536098). Algorithms developed to predict the effect of sequence changes on RNA splicing suggest that this variant is not likely to affect RNA splicing, but this prediction has not been confirmed by published transcriptional studies. In summary, the available evidence is currently insufficient to determine the role of this variant in disease. Therefore, it has been classified as a Variant of Uncertain Significance.

Literature cited by the submitters: PubMed 17576681; PubMed 9536098.

NM_005219.5(DIAPH1):c.1164-3C>A

Gene: DIAPH1 (diaphanous related formin 1; minus strand). Cytogenetic location: 5q31.3.
Variant type: single nucleotide variant.
Coding change: c.1164-3C>A on transcript NM_005219.5 (MANE Select); 3 bases into the intron before coding-DNA position 1164, C replaced by A.
Molecular consequence: intron variant.
Genome position (GRCh38, 1-based): chr5:141,577,594, G>T on the plus strand (C>A on the coding strand, the complement: DIAPH1 is on the minus strand). VCF-style: chr5-141577594-G-T. GRCh37 (hg19) VCF-style: chr5-140957161-G-T.
Other names: c.1137-3C>A (NM_001079812.3); c.1164-3C>A (NM_001314007.2).
Identifiers: ClinVar variation 1053904 (VCV001053904.11), dbSNP rs2154596419, ClinGen allele CA2499217702.